The following is an entry in ClinVar:

NM_000214.3(JAG1):c.440-15T>C

Gene: JAG1 (jagged canonical Notch ligand 1; minus strand). Cytogenetic location: 20p12.2.
Variant type: single nucleotide variant.
Coding change: c.440-15T>C on transcript NM_000214.3 (MANE Select); 15 bases into the intron before coding-DNA position 440, T replaced by C.
Molecular consequence: intron variant.
Genome position (GRCh38, 1-based): chr20:10,658,737, A>G on the plus strand (T>C on the coding strand, the complement: JAG1 is on the minus strand). VCF-style: chr20-10658737-A-G. GRCh37 (hg19) VCF-style: chr20-10639385-A-G.
Other names: p.?; c.440-15T>C (LRG_1191t1).
Identifiers: ClinVar variation 213524 (VCV000213524.24), dbSNP rs2273060, ClinGen allele CA321239.

ClinVar aggregate classification (germline): Benign. Review status: criteria provided, multiple submitters, no conflicts (2 of 4 stars). 12 submissions from 10 submitters: Benign (10). 2 of the submissions do not count toward it. Last evaluated 2026-02-04.

Conditions:
Isolated Nonsyndromic Congenital Heart Disease.
Deafness, congenital heart defects, and posterior embryotoxon (DCHE). Identifiers: MedGen C1866053, MONDO:0060713, OMIM 617992.
Alagille syndrome due to a JAG1 point mutation. Also called: JAG1-Related Alagille Syndrome; Alagille Syndrome 1; HEPATIC DUCTULAR HYPOPLASIA, SYNDROMATIC. Identifiers: Orphanet 261619, Orphanet 52, MedGen C1956125, MONDO:0016862, OMIM 118450.
Tetralogy of Fallot (TOF). Identifiers: Orphanet 3303, MedGen C0039685, MONDO:0008542, OMIM 187500, HP:0001636.

Allele frequency attached by ClinVar (database versions not stated): ESP Exome Variant Server 0.42404; gnomAD 0.42936 and 0.43179; TOPMed 0.43288; ExAC 0.43754; gnomAD exomes 0.43914; 1000 Genomes Project 0.45767; 1000 Genomes Project 30x 0.45862.
gnomAD v4.1: 663,886 of 1,612,316 alleles (41%); highest among the groups gnomAD compares: South Asian, 50%; 138,340 homozygotes.

Submissions (12):

Labcorp Genetics (formerly Invitae), Labcorp
Classification: Benign for Alagille syndrome due to a JAG1 point mutation. Last evaluated: 2026-02-04. Review status: criteria provided, single submitter. Criteria: Invitae Variant Classification Sherloc (09022015). Collection method: clinical testing. Allele origin: germline.

Blueprint Genetics
Classification: Benign. Last evaluated: 2024-11-28. Review status: criteria provided, single submitter. Criteria: ACMG Guidelines, 2015. Collection method: clinical testing. Allele origin: germline.

Women's Health and Genetics/Laboratory Corporation of America, LabCorp
Classification: Benign. Last evaluated: 2023-04-04. Review status: criteria provided, single submitter. Criteria: LabCorp Variant Classification Summary - May 2015. Collection method: clinical testing. Allele origin: germline.

Mayo Clinic Laboratories, Mayo Clinic
Classification: Benign. Last evaluated: 2022-05-05. Review status: criteria provided, single submitter. Criteria: ACMG Guidelines, 2015. Collection method: clinical testing. Allele origin: germline. Observed: 364 variant alleles.

Genome-Nilou Lab
Classification: Benign for Deafness, congenital heart defects, and posterior embryotoxon. Last evaluated: 2021-08-19. Review status: criteria provided, single submitter. Criteria: ACMG Guidelines, 2015. Collection method: clinical testing. Allele origin: germline. Affected: no.

Genome-Nilou Lab
Classification: Benign for Alagille syndrome due to a JAG1 point mutation. Last evaluated: 2021-08-19. Review status: criteria provided, single submitter. Criteria: ACMG Guidelines, 2015. Collection method: clinical testing. Allele origin: germline. Affected: no.

Genome-Nilou Lab
Classification: Benign for Tetralogy of Fallot. Last evaluated: 2021-08-19. Review status: criteria provided, single submitter. Criteria: ACMG Guidelines, 2015. Collection method: clinical testing. Allele origin: germline. Affected: no.

Illumina Laboratory Services, Illumina
Classification: Benign for Isolated Nonsyndromic Congenital Heart Disease. Last evaluated: 2018-01-13. Review status: criteria provided, single submitter. Criteria: ICSL Variant Classification Criteria 13 December 2019. Collection method: clinical testing. Allele origin: germline.
Comment: This variant was observed in the ICSL laboratory as part of a predisposition screen in an ostensibly healthy population. It had not been previously curated by ICSL or reported in the Human Gene Mutation Database (HGMD: prior to June 1st, 2018), and was therefore a candidate for classification through an automated scoring system. Utilizing variant allele frequency, disease prevalence and penetrance estimates, and inheritance mode, an automated score was calculated to assess if this variant is too frequent to cause the disease. Based on the score and internal cut-off values, a variant classified as benign is not then subjected to further curation. The score for this variant resulted in a classification of benign for this disease.

Breakthrough Genomics
Classification: Benign. Review status: criteria provided, single submitter. Criteria: ACMG Guidelines, 2015. Collection method: not provided. Allele origin: germline. Inheritance: Autosomal dominant inheritance. Affected: yes.

PreventionGenetics, part of Exact Sciences
Classification: Benign. Review status: criteria provided, single submitter. Criteria: ACMG Guidelines, 2015. Collection method: clinical testing. Allele origin: germline.

Clinical Genetics, Academic Medical Center
Classification: Benign. Review status: no assertion criteria provided. Collection method: clinical testing. Allele origin: germline. Affected: yes. Study: VKGL Data-share Consensus. Not counted in ClinVar's aggregate classification.

Joint Genome Diagnostic Labs from Nijmegen and Maastricht, Radboudumc and MUMC+
Classification: Benign. Review status: no assertion criteria provided. Collection method: clinical testing. Allele origin: germline. Affected: yes. Study: VKGL Data-share Consensus. Not counted in ClinVar's aggregate classification.